The following is an entry in ClinVar:

NM_006015.6(ARID1A):c.4796C>T (p.Thr1599Ile)

Gene: ARID1A (AT-rich interaction domain 1A; plus strand). Cytogenetic location: 1p36.11.
Variant type: single nucleotide variant.
Coding change: c.4796C>T on transcript NM_006015.6 (MANE Select); coding-DNA position 4796, C replaced by T.
Protein change: p.Thr1599Ile; replaces threonine 1599 with isoleucine.
Molecular consequence: missense variant.
Genome position (GRCh38, 1-based): chr1:26,775,023, C>T. VCF-style: chr1-26775023-C-T. GRCh37 (hg19) VCF-style: chr1-27101514-C-T.
Other names: c.4145C>T, p.Thr1382Ile (NM_139135.4); short protein forms T1382I, T1599I.
Identifiers: ClinVar variation 2603856 (VCV002603856.2), dbSNP rs2081121011, ClinGen allele CA339178582.
Genomic context (GRCh38, chr1:26,775,023, plus strand): 5'-AGAATCACATTCCTCAGGTATCCAGCCCTGCTCCCCTGCCCCGGCCAATGGAGAACCGCA[C>T]CTCTCCTAGCAAGTCTCCATTCCTGCACTCTGGGATGAAAATGCAGAAGGCAGGTCCCCC-3'
Protein context (NP_006006.3, residues 1589-1609): APLPRPMENR[Thr1599Ile]SPSKSPFLHS

ClinVar aggregate classification (germline): Uncertain significance (1 of 4 stars; one submission).

Conditions:
Inborn genetic diseases. Identifiers: MedGen C0950123, MeSH D030342.

Submission:

Ambry Genetics
Classification: Uncertain significance for Inborn genetic diseases. Last evaluated: 2023-07-10. Review status: criteria provided, single submitter. Criteria: Ambry Variant Classification Scheme 2023. Collection method: clinical testing. Allele origin: germline.
Comment: The c.4796C>T (p.T1599I) alteration is located in exon 18 (coding exon 18) of the ARID1A gene. This alteration results from a C to T substitution at nucleotide position 4796, causing the threonine (T) at amino acid position 1599 to be replaced by an isoleucine (I). This variant was not reported in population-based cohorts in the Genome Aggregation Database (gnomAD). This amino acid position is highly conserved in available vertebrate species. This alteration is predicted to be tolerated by in silico analysis. Based on insufficient or conflicting evidence, the clinical significance of this alteration remains unclear.